The following is an entry in ClinVar:

NM_018062.4(FANCL):c.1A>G (p.Met1Val)

Gene: FANCL (FA complementation group L; minus strand). Cytogenetic location: 2p16.1.
Variant type: single nucleotide variant.
Coding change: c.1A>G on transcript NM_018062.4 (MANE Select); coding-DNA position 1, A replaced by G.
Protein change: p.Met1Val; changes the start codon (methionine 1).
Molecular consequence: missense variant, initiator codon variant.
Genome position (GRCh38, 1-based): chr2:58,241,313, T>C on the plus strand (A>G on the coding strand, the complement: FANCL is on the minus strand). VCF-style: chr2-58241313-T-C. GRCh37 (hg19) VCF-style: chr2-58468448-T-C.
Other names: c.1A>G, p.Met1Val (NM_001114636.2, NM_001374615.1, NM_001410792.1); short protein forms M1V.
Identifiers: ClinVar variation 1691887 (VCV001691887.5), dbSNP rs772037896, ClinGen allele CA347035227.
Genomic context (GRCh38, chr2:58,241,313, plus strand): 5'-ACCGGTTCTGGGGCAGAAGCAGGGGGCACTGGCGCAACAGGCTCGCTTCCGTCACCGCCA[T>C]GGCTCGAAGTCCGGAGAAACACAGAAAAGCTCTAGACCTGCTGGGTCCTGCACATGCGCA-3'
Protein context (NP_060532.2, residues 1-11): [Met1Val]AVTEASLLRQ

ClinVar aggregate classification (germline): Pathogenic/Likely pathogenic. Review status: criteria provided, multiple submitters, no conflicts (2 of 4 stars). 3 submissions from 3 submitters: Pathogenic (1); Likely pathogenic (2). Last evaluated 2025-11-08.

Conditions:
Fanconi anemia complementation group L (FANCL). Also called: FANCL-Related Fanconi Anemia. Identifiers: Orphanet 84, MedGen C3469528, MONDO:0013566, OMIM 614083.
Fanconi anemia (FA). Also called: Fanconi's anemia. Identifiers: Orphanet 84, MedGen C0015625, MeSH D005199, MONDO:0019391.

Allele frequency attached by ClinVar (database versions not stated): TOPMed below 0.00001.

Submissions (3):

Labcorp Genetics (formerly Invitae), Labcorp
Classification: Pathogenic for Fanconi anemia. Last evaluated: 2025-11-08. Review status: criteria provided, single submitter. Criteria: Invitae Variant Classification Sherloc (09022015). Collection method: clinical testing. Allele origin: germline.
Comment: This sequence change affects the initiator codon of the FANCL mRNA. This change may impact translation initiation or efficiency. The next in-frame methionine is located at codon 74. This variant is not present in population databases (gnomAD no frequency). Disruption of the initiator codon has been observed in individuals with clinical features of FANCL-related conditions (PMID: 33727708; internal data). ClinVar contains an entry for this variant (Variation ID: 1691887). This variant disrupts the E2-like fold (ELF) domain of the FANCL protein, which is required for its interaction with the FANCB-FAAP100 complex as well as for non-covalent binding to ubiquitin (PMID: 26149689, 27986371). While functional studies have not been performed to directly test the effect of this variant on FANCL protein function, this suggests that disruption of this region of the protein is causative of disease. For these reasons, this variant has been classified as Pathogenic.

Fulgent Genetics
Classification: Likely pathogenic for Fanconi anemia complementation group L. Last evaluated: 2024-04-04. Review status: criteria provided, single submitter. Criteria: ACMG Guidelines, 2015. Collection method: clinical testing. Allele origin: germline.

Sema4
Classification: Likely pathogenic for Fanconi anemia. Last evaluated: 2022-01-03. Review status: criteria provided, single submitter. Criteria: Sema4 Curation Guidelines. Collection method: curation. Allele origin: germline.
Comment: The FANCL c.1A>G (p.M1?) variant has not been reported in the literature to our knowledge. This variant is predicted to destroy the translation initiation codon leading to absent or N-terminal truncated protein.The next in-frame methionine is located at codon 74. This variant is not detected in 250782 chromosomes tested in the Genome Aggregation Database (PMID: 32461654). The variant has not been reported in ClinVar. A different nucleotide change at this codon, c.2T>C (p.M1?) variant has been reported in several patients with breast cancer, hereditary nonpolyposis colorectal cancer, adenomatous polyposis, and brain lower grade glioma (PMID 29335925, 29625052, 31300551, 31942411). Based on the current evidence available, this variant is interpreted as likely pathogenic.

Literature cited by the submitters: PubMed 33727708 (cited by Labcorp Genetics (formerly Invitae), Labcorp); PubMed 26149689 (cited by Labcorp Genetics (formerly Invitae), Labcorp); PubMed 27986371 (cited by Labcorp Genetics (formerly Invitae), Labcorp); PubMed 29335925 (cited by Sema4); PubMed 29625052 (cited by Sema4); PubMed 31300551 (cited by Sema4); PubMed 31942411 (cited by Sema4).